The following is an entry in ClinVar:

NM_003106.4(SOX2):c.166C>G (p.Arg56Gly)

Genes: SOX2 (SRY-box transcription factor 2; plus strand), SOX2-OT (SOX2 overlapping transcript; plus strand), LOC108281177 (SOX2 5' regulatory region; plus strand). Cytogenetic location: 3q26.33.
Variant type: single nucleotide variant.
Coding change: c.166C>G on transcript NM_003106.4 (MANE Select); coding-DNA position 166, C replaced by G.
Protein change: p.Arg56Gly; replaces arginine 56 with glycine.
Molecular consequence: missense variant.
Genome position (GRCh38, 1-based): chr3:181,712,526, C>G. VCF-style: chr3-181712526-C-G. GRCh37 (hg19) VCF-style: chr3-181430314-C-G.
Other names: short protein forms R56G.
Identifiers: ClinVar variation 986770 (VCV000986770.1), dbSNP rs1560264293, ClinGen allele CA355473268.

ClinVar aggregate classification (germline): Pathogenic (0 of 4 stars; one submission).

Conditions:
Anophthalmia/microphthalmia-esophageal atresia syndrome (MCOPS3). Also called: MICROPHTHALMIA AND ESOPHAGEAL ATRESIA SYNDROME; AEG SYNDROME; SOX2 Disorder. Identifiers: Orphanet 77298, MedGen C1859773, MONDO:0008799, OMIM 206900.

Submission:

Anophthalmia/Microphthalmia Research Registry, Einstein Medical Center Philadelphia
Classification: Pathogenic for Anophthalmia/microphthalmia-esophageal atresia syndrome. Review status: no assertion criteria provided. Collection method: clinical testing. Allele origin: germline. Inheritance: Autosomal dominant inheritance. Affected: yes. Observed: 1 variant allele.